The following is an entry in ClinVar:

NM_002335.4(LRP5):c.58_69dup (p.Leu20_Cys23dup)

Gene: LRP5 (LDL receptor related protein 5; plus strand). Cytogenetic location: 11q13.2.
Variant type: Duplication.
Coding change: c.58_69dup on transcript NM_002335.4 (MANE Select); coding-DNA positions 58 to 69, 12 bases duplicated (CTGGCGCTGTGC).
Protein change: p.Leu20_Cys23dup.
Molecular consequence: inframe insertion. On other transcripts: 5 prime UTR variant (1).
Genome position (GRCh38, 1-based): chr11:68,312,772-68,312,783, CTGGCGCTGTGC duplicated. VCF-style (leftmost placement, unchanged base first): chr11-68312771-G-GCTGGCGCTGTGC. GRCh37 (hg19) VCF-style: chr11-68080239-G-GCTGGCGCTGTGC.
Other names: c.-1708_-1697dup (NM_001291902.2).
Identifiers: ClinVar variation 1309339 (VCV001309339.2), dbSNP rs2153110216, ClinGen allele CA2573053555.

ClinVar aggregate classification (germline): Uncertain significance (1 of 4 stars; one submission).

Submission:

GeneDx
Classification: Uncertain significance. Last evaluated: 2019-10-09. Review status: criteria provided, single submitter. Criteria: GeneDx Variant Classification Process June 2021. Collection method: clinical testing. Allele origin: germline. Affected: yes.
Comment: In-frame insertion of 4 amino acids in a non-repeat region; Not observed in large population cohorts (Lek et al., 2016); Has not been previously published as pathogenic or benign to our knowledge